The following is an entry in ClinVar:

NM_000388.4(CASR):c.513C>G (p.Ser171Arg)

Gene: CASR (calcium sensing receptor; plus strand). Cytogenetic location: 3q21.1.
Variant type: single nucleotide variant.
Coding change: c.513C>G on transcript NM_000388.4 (MANE Select); coding-DNA position 513, C replaced by G.
Protein change: p.Ser171Arg; replaces serine 171 with arginine.
Molecular consequence: missense variant.
Genome position (GRCh38, 1-based): chr3:122,261,548, C>G. VCF-style: chr3-122261548-C-G. GRCh37 (hg19) VCF-style: chr3-121980395-C-G.
Other names: c.513C>G, p.Ser171Arg (NM_001178065.2); short protein forms S171R.
Identifiers: ClinVar variation 4682117 (VCV004682117.1).

ClinVar aggregate classification (germline): Likely pathogenic (1 of 4 stars; one submission).

Conditions:
Familial hyperparathyroidism or Hypocalciuric hypercalcaemia.

Submission:

Cambridge Genomics Laboratory, East Genomic Laboratory Hub, NHS Genomic Medicine Service
Classification: Likely pathogenic for Familial hyperparathyroidism or Hypocalciuric hypercalcaemia. Last evaluated: 2024-07-15. Review status: criteria provided, single submitter. Criteria: ACGS Best Practice Guidelines for Variant Classification in Rare Disease 2020. Collection method: clinical testing. Allele origin: germline. Affected: yes.
Comment: PS4_Supporting,PM2,PP2,PP3,PP4